The following is an entry in ClinVar:

NM_017721.5(CC2D1A):c.1072C>T (p.Arg358Trp)

Gene: CC2D1A (coiled-coil and C2 domain containing 1A; plus strand). Cytogenetic location: 19p13.12.
Variant type: single nucleotide variant.
Coding change: c.1072C>T on transcript NM_017721.5 (MANE Select); coding-DNA position 1072, C replaced by T.
Protein change: p.Arg358Trp; replaces arginine 358 with tryptophan.
Molecular consequence: missense variant.
Genome position (GRCh38, 1-based): chr19:13,918,965, C>T. VCF-style: chr19-13918965-C-T. GRCh37 (hg19) VCF-style: chr19-14029778-C-T.
Other names: short protein forms R358W.
Identifiers: ClinVar variation 930492 (VCV000930492.3), dbSNP rs774357851, ClinGen allele CA9244522.

ClinVar aggregate classification (germline): Uncertain significance (1 of 4 stars; one submission).

Conditions:
Intellectual developmental disorder, autosomal recessive 3. Also called: Intellectual disability, autosomal recessive 3. Identifiers: Orphanet 88616, MedGen C1838023, MONDO:0012037, OMIM 608443.

Allele frequency attached by ClinVar (database versions not stated): ExAC 0.00001; gnomAD exomes below 0.00001.
gnomAD v4.1: 6 of 1,610,344 alleles (0.00037%); highest among the groups gnomAD compares: Non-Finnish European, 0.00051%; no homozygotes.

Submission:

Centre for Mendelian Genomics, University Medical Centre Ljubljana
Classification: Uncertain significance for Intellectual developmental disorder, autosomal recessive 3. Last evaluated: 2019-05-16. Review status: criteria provided, single submitter. Criteria: ACMG Guidelines, 2015. Collection method: clinical testing. Allele origin: unknown. Affected: yes.
Comment: This variant was classified as: Uncertain significance. The available evidence on this variant's pathogenicity is insufficient or conflicting. The following ACMG criteria were applied in classifying this variant: PM2,PP3.